The following is an entry in ClinVar:

ClinVar aggregate classification (germline): Likely benign (1 of 4 stars; one submission).

Allele frequency attached by ClinVar (database versions not stated): gnomAD exomes 0.00006; TOPMed 0.00007; gnomAD 0.00011.
gnomAD v4.1: 108 of 1,613,556 alleles (0.0067%); highest among the groups gnomAD compares: Middle Eastern, 0.049%; no homozygotes.

Submission:

CeGaT Center for Human Genetics Tuebingen
Classification: Likely benign. Last evaluated: 2024-02-01. Review status: criteria provided, single submitter. Criteria: CeGaT Center For Human Genetics Tuebingen Variant Classification Criteria Version 2. Collection method: clinical testing. Allele origin: germline. Affected: yes. Observed: 1 variant allele.
Comment: B9D1: BP4, BP7

NM_015681.6(B9D1):c.472+71G>T

Gene: B9D1 (B9 domain containing 1; minus strand). Cytogenetic location: 17p11.2.
Variant type: single nucleotide variant.
Coding change: c.472+71G>T on transcript NM_015681.6 (MANE Select); 71 bases into the intron after coding-DNA position 472, G replaced by T.
Molecular consequence: intron variant. On other transcripts: synonymous variant (1).
Genome position (GRCh38, 1-based): chr17:19,343,719, C>A on the plus strand (G>T on the coding strand, the complement: B9D1 is on the minus strand). VCF-style: chr17-19343719-C-A. GRCh37 (hg19) VCF-style: chr17-19247032-C-A.
Other names: c.543G>T, p.Gly181= (NM_001321215.3); c.112+71G>T (NM_001368769.2); c.404+3550G>T (NM_001321219.2); c.472+71G>T (NM_001321218.2, NM_001321217.2, NM_001321214.2 and 1 more transcripts).
Identifiers: ClinVar variation 3025820 (VCV003025820.22), dbSNP rs768508152, ClinGen allele CA8440134.